The following is an entry in ClinVar:

ClinVar aggregate classification (germline): Uncertain significance (1 of 4 stars; one submission).

Conditions:
Inborn genetic diseases. Identifiers: MedGen C0950123, MeSH D030342.

Submission:

Ambry Genetics
Classification: Uncertain significance for Inborn genetic diseases. Last evaluated: 2021-03-26. Review status: criteria provided, single submitter. Criteria: Ambry Variant Classification Scheme 2023. Collection method: clinical testing. Allele origin: germline.
Comment: The c.101C>A (p.A34D) alteration is located in exon 3 (coding exon 2) of the CUL4B gene. This alteration results from a C to A substitution at nucleotide position 101, causing the alanine (A) at amino acid position 34 to be replaced by an aspartic acid (D). The p.A34D alteration is predicted to be tolerated by in silico analysis. Based on insufficient or conflicting evidence, the clinical significance of this alteration remains unclear.

NM_001079872.2(CUL4B):c.47C>A (p.Ala16Asp)

Genes: CUL4B (cullin 4B; minus strand), LOC113845788 (Sharpr-MPRA regulatory region 11856; plus strand). Cytogenetic location: Xq24.
Variant type: single nucleotide variant.
Coding change: c.47C>A on transcript NM_001079872.2 (MANE Select); coding-DNA position 47, C replaced by A.
Protein change: p.Ala16Asp; replaces alanine 16 with aspartic acid.
Molecular consequence: missense variant.
Genome position (GRCh38, 1-based): chrX:120,560,592, G>T on the plus strand (C>A on the coding strand, the complement: CUL4B is on the minus strand). VCF-style: chrX-120560592-G-T. GRCh37 (hg19) VCF-style: chrX-119694447-G-T.
Other names: c.62C>A, p.Ala21Asp (NM_001330624.2); c.101C>A, p.Ala34Asp (NM_003588.4); short protein forms A34D, A21D, A16D.
Identifiers: ClinVar variation 2229676 (VCV002229676.2), dbSNP rs2521201645, ClinGen allele CA414206276.